The following is an entry in ClinVar:

ClinVar aggregate classification (germline): Uncertain significance (1 of 4 stars; one submission).

Conditions:
Hereditary cancer-predisposing syndrome. Also called: Neoplastic Syndromes, Hereditary; Tumor predisposition; Hereditary Cancer Syndrome; Hereditary neoplastic syndrome. Identifiers: Orphanet 140162, MedGen C0027672, MeSH D009386, MONDO:0015356.

Submissions (2):

Ambry Genetics
Classification: Uncertain significance for Hereditary cancer-predisposing syndrome. Last evaluated: 2015-10-14. Review status: criteria provided, single submitter. Criteria: Ambry Variant Classification Scheme 2023. Collection method: clinical testing. Allele origin: germline.
Comment: The p.V1687L variant (also known as c.5059G>C), located in coding exon 15 of the BRCA1 gene, results from a G to C substitution at nucleotide position 5059. The valine at codon 1687 is replaced by leucine, an amino acid with highly similar properties. This variant was not reported in population based cohorts in the following databases: Database of Single Nucleotide Polymorphisms (dbSNP), NHLBI Exome Sequencing Project (ESP), and 1000 Genomes Project. In the ESP, this variant was not observed in 6502 samples (13004 alleles) with coverage at this position. To date, this alteration has been detected with an allele frequency of approximately 0.001% (greater than 150000 alleles tested) in our clinical cohort. This amino acid position is highly conserved in available vertebrate species. In addition, this alteration is predicted to be deleterious by in silico analysis. Since supporting evidence is limited at this time, the clinical significance of p.V1687L remains unclear.

Brotman Baty Institute, University of Washington
No classification provided (evidence only). Condition: Breast-ovarian cancer, familial 1. Review status: no classification provided. Collection method: in vitro. Allele origin: not applicable. Functional consequence: functionally_normal. Not counted in ClinVar's aggregate classification.
ClinVar note: "not provided" was previously submitted as the classification for the variant. However, the classification appeared to be based only on an observation of functional data so it was converted to no classification on 2025-07-30.

NM_007294.4(BRCA1):c.5059G>C (p.Val1687Leu)

Gene: BRCA1 (BRCA1 DNA repair associated; minus strand). Cytogenetic location: 17q21.31.
Variant type: single nucleotide variant.
Coding change: c.5059G>C on transcript NM_007294.4 (MANE Select); coding-DNA position 5059, G replaced by C.
Protein change: p.Val1687Leu; replaces valine 1687 with leucine.
Molecular consequence: missense variant. On other transcripts: non-coding transcript variant (1).
Genome position (GRCh38, 1-based): chr17:43,067,623, C>G on the plus strand (G>C on the coding strand, the complement: BRCA1 is on the minus strand). VCF-style: chr17-43067623-C-G. GRCh37 (hg19) VCF-style: chr17-41219640-C-G.
Other names: c.4846G>C, p.Val1616Leu (NM_001407571.1, NM_001407906.1, NM_001407907.1 and 12 more transcripts); c.5125G>C, p.Val1709Leu (NM_001407581.1, NM_001407582.1); c.5122G>C, p.Val1708Leu (NM_001407583.1, NM_001407585.1, NM_001407587.1 and 1 more transcripts); c.5119G>C, p.Val1707Leu (NM_001407590.1, NM_001407591.1); c.5059G>C, p.Val1687Leu (NM_001407593.1, NM_001407594.1, NM_001407596.1 and 8 more transcripts); c.5056G>C, p.Val1686Leu (NM_001407613.1, NM_001407614.1, NM_001407615.1 and 17 more transcripts); c.5053G>C, p.Val1685Leu (NM_001407632.1, NM_001407633.1, NM_001407634.1 and 14 more transcripts); c.4981G>C, p.Val1661Leu (NM_001407654.1, NM_001407655.1, NM_001407653.1); and 70 more; short protein forms V1640L, V1687L, V583L, V1708L, V1390L, V1391L, V1575L, V1597L.
Identifiers: ClinVar variation 868574 (VCV000868574.5), dbSNP rs2052161154, ClinGen allele CA10591402.